The following is an entry in ClinVar:

ClinVar aggregate classification (germline): Likely benign (1 of 4 stars; one submission).

gnomAD v4.1: 15 of 1,612,342 alleles (0.00093%); highest among the groups gnomAD compares: African/African-American, 0.0013%; 1 homozygote.

Submission:

CeGaT Center for Human Genetics Tuebingen
Classification: Likely benign. Last evaluated: 2025-02-01. Review status: criteria provided, single submitter. Criteria: CeGaT Center For Human Genetics Tuebingen Variant Classification Criteria Version 2. Collection method: clinical testing. Allele origin: germline. Affected: yes. Observed: 1 variant allele.
Comment: CEP85L: BP4, BP7

NM_001042475.3(CEP85L):c.1296A>G (p.Ser432=)

Gene: CEP85L (centrosomal protein 85L; minus strand). Cytogenetic location: 6q22.31.
Variant type: single nucleotide variant.
Coding change: c.1296A>G on transcript NM_001042475.3 (MANE Select); coding-DNA position 1296, A replaced by G.
Protein change: p.Ser432=; no amino-acid change (serine 432 retained).
Molecular consequence: synonymous variant.
Genome position (GRCh38, 1-based): chr6:118,491,827, T>C on the plus strand (A>G on the coding strand, the complement: CEP85L is on the minus strand). VCF-style: chr6-118491827-T-C. GRCh37 (hg19) VCF-style: chr6-118812990-T-C.
Other names: c.1305A>G, p.Ser435= (NM_001178035.2); c.1296A>G, p.Ser432= (NM_206921.3).
Identifiers: ClinVar variation 3771603 (VCV003771603.13).